The following is an entry in ClinVar:

ClinVar aggregate classification (germline): Conflicting classifications of pathogenicity. Review status: criteria provided, conflicting classifications (1 of 4 stars). 4 submissions from 4 submitters: Likely pathogenic (1); Uncertain significance (2). 1 of the submissions does not count toward it. Last evaluated 2025-04-17.

Conditions:
FLVCR2-related disorder. Also called: FLVCR2-related condition.
Proliferative vasculopathy and hydranencephaly-hydrocephaly syndrome. Also called: ENCEPHALOCLASTIC PROLIFERATIVE VASCULOPATHY; HYDRANENCEPHALY, FOWLER TYPE; HYDROCEPHALY/HYDRANENCEPHALY DUE TO CEREBRAL VASCULOPATHY; Fowler syndrome. Identifiers: Orphanet 221126, MedGen C1856972, MONDO:0009168, OMIM 225790.

Allele frequency attached by ClinVar (database versions not stated): gnomAD 0.00004 and 0.00003; TOPMed 0.00009; ExAC 0.00010; gnomAD exomes 0.00009.

Submissions (4):

Institute of Human Genetics, University of Leipzig Medical Center
Classification: Likely pathogenic for Proliferative vasculopathy and hydranencephaly-hydrocephaly syndrome. Last evaluated: 2025-04-17. Review status: criteria provided, single submitter. Criteria: ACMG Guidelines, 2015. Collection method: clinical testing. Allele origin: paternal. Inheritance: Autosomal recessive inheritance. Affected: yes.
Comment: Criteria applied: PM2,PM3,PM1_SUP,PP3; Identified as compund heterozygous with NM_017791.3:c.1327A>T

Labcorp Genetics (formerly Invitae), Labcorp
Classification: Uncertain significance. Last evaluated: 2022-07-14. Review status: criteria provided, single submitter. Criteria: Invitae Variant Classification Sherloc (09022015). Collection method: clinical testing. Allele origin: germline.
Comment: This sequence change replaces proline, which is neutral and non-polar, with leucine, which is neutral and non-polar, at codon 340 of the FLVCR2 protein (p.Pro340Leu). This variant is present in population databases (rs750773606, gnomAD 0.04%). This missense change has been observed in individual(s) with Fowler syndrome (PMID: 32369449). ClinVar contains an entry for this variant (Variation ID: 1032766). Algorithms developed to predict the effect of missense changes on protein structure and function (SIFT, PolyPhen-2, Align-GVGD) all suggest that this variant is likely to be disruptive. Studies have shown that this missense change does not significantly alter or has an unclear effect on FLVCR2 gene expression (PMID: 32369449). In summary, the available evidence is currently insufficient to determine the role of this variant in disease. Therefore, it has been classified as a Variant of Uncertain Significance.

Baylor Genetics
Classification: Uncertain significance for Proliferative vasculopathy and hydranencephaly-hydrocephaly syndrome. Last evaluated: 2018-08-14. Review status: criteria provided, single submitter. Criteria: ACMG Guidelines, 2015. Collection method: clinical testing. Allele origin: unknown. Affected: yes.
Comment: This variant was determined to be of uncertain significance according to ACMG Guidelines, 2015 [PMID:25741868].

PreventionGenetics, part of Exact Sciences
Classification: Uncertain significance for FLVCR2-related condition. Last evaluated: 2024-05-17. Review status: no assertion criteria provided. Collection method: clinical testing. Allele origin: germline. Not counted in ClinVar's aggregate classification.
Comment: The FLVCR2 c.1019C>T variant is predicted to result in the amino acid substitution p.Pro340Leu. This variant has been reported in the compound heterozygous state in an individual with Fowler syndrome (Kalailingam et al. 2020. PubMed ID: 32369449). This variant is reported in 0.043% of alleles in individuals of Latino descent in gnomAD. At this time, the clinical significance of this variant is uncertain due to the absence of conclusive functional and genetic evidence.

Literature cited by the submitters: PubMed 32369449 (cited by Labcorp Genetics (formerly Invitae), Labcorp).

NM_017791.3(FLVCR2):c.1019C>T (p.Pro340Leu)

Gene: FLVCR2 (FLVCR choline and putative heme transporter 2; plus strand). Cytogenetic location: 14q24.3.
Variant type: single nucleotide variant.
Coding change: c.1019C>T on transcript NM_017791.3 (MANE Select); coding-DNA position 1019, C replaced by T.
Protein change: p.Pro340Leu; replaces proline 340 with leucine.
Molecular consequence: missense variant.
Genome position (GRCh38, 1-based): chr14:75,633,695, C>T. VCF-style: chr14-75633695-C-T. GRCh37 (hg19) VCF-style: chr14-76100038-C-T.
Other names: c.404C>T, p.Pro135Leu (NM_001195283.2); short protein forms P135L, P340L.
Identifiers: ClinVar variation 1032766 (VCV001032766.5), dbSNP rs750773606, ClinGen allele CA7278404.